The following is an entry in ClinVar:

NM_002519.3(NPAT):c.3131C>T (p.Thr1044Ile)

Gene: NPAT (nuclear protein, coactivator of histone transcription; minus strand). Cytogenetic location: 11q22.3.
Variant type: single nucleotide variant.
Coding change: c.3131C>T on transcript NM_002519.3 (MANE Select); coding-DNA position 3131, C replaced by T.
Protein change: p.Thr1044Ile; replaces threonine 1044 with isoleucine.
Molecular consequence: missense variant.
Genome position (GRCh38, 1-based): chr11:108,161,955, G>A on the plus strand (C>T on the coding strand, the complement: NPAT is on the minus strand). VCF-style: chr11-108161955-G-A. GRCh37 (hg19) VCF-style: chr11-108032682-G-A.
Other names: c.3152C>T, p.Thr1051Ile (NM_001321307.1); short protein forms T1044I, T1051I.
Identifiers: ClinVar variation 1727970 (VCV001727970.5), dbSNP rs959987608, ClinGen allele CA228374290.

ClinVar aggregate classification (germline): Uncertain significance. Review status: criteria provided, multiple submitters, no conflicts (2 of 4 stars). 2 submissions from 2 submitters: Uncertain significance (2). Last evaluated 2024-01-29.

Allele frequency attached by ClinVar (database versions not stated): gnomAD exomes 0.00001.
gnomAD v4.1: 16 of 1,604,046 alleles (0.001%); highest among the groups gnomAD compares: Non-Finnish European, 0.0012%; no homozygotes.

Submissions (2):

Labcorp Genetics (formerly Invitae), Labcorp
Classification: Uncertain significance. Last evaluated: 2024-01-29. Review status: criteria provided, single submitter. Criteria: Invitae Variant Classification Sherloc (09022015). Collection method: clinical testing. Allele origin: germline.
Comment: This sequence change replaces threonine, which is neutral and polar, with isoleucine, which is neutral and non-polar, at codon 1044 of the NPAT protein (p.Thr1044Ile). This variant is present in population databases (no rsID available, gnomAD 0.0009%). This variant has not been reported in the literature in individuals affected with NPAT-related conditions. ClinVar contains an entry for this variant (Variation ID: 1727970). An algorithm developed to predict the effect of missense changes on protein structure and function (PolyPhen-2) suggests that this variant is likely to be tolerated. In summary, the available evidence is currently insufficient to determine the role of this variant in disease. Therefore, it has been classified as a Variant of Uncertain Significance.

Ambry Genetics
Classification: Uncertain significance. Last evaluated: 2023-08-30. Review status: criteria provided, single submitter. Criteria: Ambry Variant Classification Scheme 2023. Collection method: clinical testing. Allele origin: germline.
Comment: The p.T1044I variant (also known as c.3131C>T), located in coding exon 17 of the NPAT gene, results from a C to T substitution at nucleotide position 3131. The threonine at codon 1044 is replaced by isoleucine, an amino acid with similar properties. This amino acid position is conserved. In addition, this alteration is predicted to be tolerated by in silico analysis. Since supporting evidence is limited at this time, the clinical significance of this alteration remains unclear.